The following is an entry in ClinVar:

ClinVar aggregate classification (germline): Benign/Likely benign. Review status: criteria provided, multiple submitters, no conflicts (2 of 4 stars). 7 submissions from 7 submitters: Benign (1); Likely benign (5). 1 of the submissions does not count toward it. Last evaluated 2025-07-27.

Conditions:
PALB2-related disorder. Also called: PALB2-related disorders; PALB2-related condition.
Pancreatic cancer, susceptibility to, 3. Identifiers: Orphanet 1333, MedGen C3150547, MONDO:0013236, OMIM 613348.
Fanconi anemia complementation group N. Also called: PALB2-Related Fanconi Anemia. Identifiers: Orphanet 84, MedGen C1835817, MONDO:0012565, OMIM 610832. Disease mechanism: loss of function.
Breast-ovarian cancer, familial, susceptibility to, 5 (BROVCA5). Identifiers: MedGen C5830615, MONDO:0957530, OMIM 620442.
Hereditary cancer-predisposing syndrome. Also called: Tumor predisposition; Hereditary Cancer Syndrome; Hereditary neoplastic syndrome; Neoplastic Syndromes, Hereditary. Identifiers: Orphanet 140162, MedGen C0027672, MeSH D009386, MONDO:0015356.
Familial cancer of breast. Also called: BREAST CANCER, FAMILIAL; hereditary breast carcinoma; Hereditary breast cancer. Identifiers: Orphanet 227535, MedGen C0346153, MONDO:0016419, OMIM 114480. Disease mechanism: loss of function.

Allele frequency attached by ClinVar (database versions not stated): gnomAD 0.00001; gnomAD exomes 0.00001; TOPMed 0.00001.
gnomAD v4.1: 6 of 1,612,202 alleles (0.00037%); highest among the groups gnomAD compares: Non-Finnish European, 0.00051%; no homozygotes.

Submissions (7):

Labcorp Genetics (formerly Invitae), Labcorp
Classification: Likely benign for Familial cancer of breast. Last evaluated: 2025-07-27. Review status: criteria provided, single submitter. Criteria: Invitae Variant Classification Sherloc (09022015). Collection method: clinical testing. Allele origin: germline.

Myriad Genetics, Inc.
Classification: Benign for Familial cancer of breast. Last evaluated: 2025-01-10. Review status: criteria provided, single submitter. Criteria: Myriad Autosomal Dominant, Autosomal Recessive and X-Linked Classification Criteria (2023). Collection method: clinical testing. Allele origin: unknown.
Comment: This variant is considered benign. This variant is a silent/synonymous amino acid change and it is not expected to impact splicing.

Department of Pathology and Laboratory Medicine, Sinai Health System
Classification: Likely benign for Fanconi anemia complementation group N; Pancreatic cancer, susceptibility to, 3; Breast-ovarian cancer, familial, susceptibility to, 5. Last evaluated: 2024-11-18. Review status: criteria provided, single submitter. Criteria: ACMG Guidelines, 2015. Collection method: clinical testing. Allele origin: germline.

Women's Health and Genetics/Laboratory Corporation of America, LabCorp
Classification: Likely benign. Last evaluated: 2022-06-02. Review status: criteria provided, single submitter. Criteria: LabCorp Variant Classification Summary - May 2015. Collection method: clinical testing. Allele origin: germline.

Color Diagnostics, LLC DBA Color Health
Classification: Likely benign for Hereditary cancer-predisposing syndrome. Last evaluated: 2017-10-14. Review status: criteria provided, single submitter. Criteria: ACMG Guidelines, 2015. Collection method: clinical testing. Allele origin: germline.

Ambry Genetics
Classification: Likely benign for Hereditary cancer-predisposing syndrome. Last evaluated: 2014-05-29. Review status: criteria provided, single submitter. Criteria: Ambry Variant Classification Scheme 2023. Collection method: clinical testing. Allele origin: germline.

PreventionGenetics, part of Exact Sciences
Classification: Likely benign for PALB2-related condition. Last evaluated: 2023-07-06. Review status: no assertion criteria provided. Collection method: clinical testing. Allele origin: germline. Not counted in ClinVar's aggregate classification.
Comment: This variant is classified as likely benign based on ACMG/AMP sequence variant interpretation guidelines (Richards et al. 2015 PMID: 25741868, with internal and published modifications).

NM_024675.4(PALB2):c.372C>T (p.Thr124=)

Gene: PALB2 (partner and localizer of BRCA2; minus strand). Cytogenetic location: 16p12.2.
Variant type: single nucleotide variant.
Coding change: c.372C>T on transcript NM_024675.4 (MANE Select); coding-DNA position 372, C replaced by T.
Protein change: p.Thr124=; no amino-acid change (threonine 124 retained).
Molecular consequence: synonymous variant.
Genome position (GRCh38, 1-based): chr16:23,636,174, G>A on the plus strand (C>T on the coding strand, the complement: PALB2 is on the minus strand). VCF-style: chr16-23636174-G-A. GRCh37 (hg19) VCF-style: chr16-23647495-G-A.
Identifiers: ClinVar variation 185066 (VCV000185066.22), dbSNP rs786201904, ClinGen allele CA190916.
Genomic context (GRCh38, chr16:23,636,174, plus strand): 5'-TGGCAGCTTCTGCTTTTGCTCACCACTAGGGTCACTGACCCTGTGGGGAAAATGTTCTTG[G>A]GTGTCATCTGTTCTTTGTATAGGTAATCCTCCTGGGCCATCTCCAGGGTTAAAGGACTCA-3'
Protein context (NP_078951.2, residues 114-134): GGLPIQRTDD[Thr124=]QEHFPHRVSD